The following is an entry in ClinVar:

NM_005215.4(DCC):c.2868G>C (p.Arg956Ser)

Gene: DCC (DCC netrin 1 receptor; plus strand). Cytogenetic location: 18q21.2.
Variant type: single nucleotide variant.
Coding change: c.2868G>C on transcript NM_005215.4 (MANE Select); coding-DNA position 2868, G replaced by C.
Protein change: p.Arg956Ser; replaces arginine 956 with serine.
Molecular consequence: missense variant.
Genome position (GRCh38, 1-based): chr18:53,402,826, G>C. VCF-style: chr18-53402826-G-C. GRCh37 (hg19) VCF-style: chr18-50929196-G-C.
Other names: short protein forms R956S.
Identifiers: ClinVar variation 4531141 (VCV004531141.1).

ClinVar aggregate classification (germline): Uncertain significance (1 of 4 stars; one submission).

gnomAD v4.1: 14 of 1,613,920 alleles (0.00087%); highest among the groups gnomAD compares: Non-Finnish European, 0.0012%; no homozygotes.

Submission:

GeneDx
Classification: Uncertain significance. Last evaluated: 2025-05-21. Review status: criteria provided, single submitter. Criteria: GeneDx Variant Classification Process June 2021. Collection method: clinical testing. Allele origin: germline. Affected: yes.
Comment: In silico analysis suggests that this missense variant does not alter protein structure/function; Has not been previously published as pathogenic or benign to our knowledge